The following is an entry in ClinVar:

ClinVar aggregate classification (germline): Likely benign (0 of 4 stars; one submission).

Conditions:
TUBB2A-related disorder. Also called: TUBB2A-related condition.

Allele frequency attached by ClinVar (database versions not stated): gnomAD exomes 0.00005; TOPMed 0.00011; gnomAD 0.00013; ExAC 0.00032; 1000 Genomes Project 0.00080; 1000 Genomes Project 30x 0.00094.

Submission:

PreventionGenetics, part of Exact Sciences
Classification: Likely benign for TUBB2A-related condition. Last evaluated: 2020-09-24. Review status: no assertion criteria provided. Collection method: clinical testing. Allele origin: germline.
Comment: This variant is classified as likely benign based on ACMG/AMP sequence variant interpretation guidelines (Richards et al. 2015 PMID: 25741868, with internal and published modifications).

NM_001069.3(TUBB2A):c.278-31T>C

Gene: TUBB2A (tubulin beta 2A class IIa; minus strand). Cytogenetic location: 6p25.2.
Variant type: single nucleotide variant.
Coding change: c.278-31T>C on transcript NM_001069.3 (MANE Select); 31 bases into the intron before coding-DNA position 278, T replaced by C.
Molecular consequence: intron variant. On other transcripts: 5 prime UTR variant (1).
Genome position (GRCh38, 1-based): chr6:3,154,954, A>G on the plus strand (T>C on the coding strand, the complement: TUBB2A is on the minus strand). VCF-style: chr6-3154954-A-G. GRCh37 (hg19) VCF-style: chr6-3155188-A-G.
Other names: c.-9T>C (NM_001310315.2).
Identifiers: ClinVar variation 3032980 (VCV003032980.2), dbSNP rs193064015, ClinGen allele CA3619038.